The following is an entry in ClinVar:

ClinVar aggregate classification (germline): Likely benign. Review status: criteria provided, multiple submitters, no conflicts (2 of 4 stars). 5 submissions from 5 submitters: Likely benign (5). Last evaluated 2026-01-14.

Conditions:
Pyruvate carboxylase deficiency. Also called: PC DEFICIENCY; ATAXIA WITH LACTIC ACIDOSIS II; Pyruvate Carboxylase Deficiency Disease; LEIGH NECROTIZING ENCEPHALOPATHY DUE TO PYRUVATE CARBOXYLASE DEFICIENCY; LEIGH SYNDROME DUE TO PYRUVATE CARBOXYLASE DEFICIENCY. Identifiers: Orphanet 3008, MedGen C0034341, MONDO:0009949, OMIM 266150.

Allele frequency attached by ClinVar (database versions not stated): ESP Exome Variant Server 0.00015; gnomAD 0.00025 and 0.00026; TOPMed 0.00027; gnomAD exomes 0.00029 and 0.00030; ExAC 0.00033.
gnomAD v4.1: 476 of 1,612,050 alleles (0.03%); highest among the groups gnomAD compares: Non-Finnish European, 0.035%; 1 homozygote.

Submissions (5):

Labcorp Genetics (formerly Invitae), Labcorp
Classification: Likely benign for Pyruvate carboxylase deficiency. Last evaluated: 2026-01-14. Review status: criteria provided, single submitter. Criteria: Invitae Variant Classification Sherloc (09022015). Collection method: clinical testing. Allele origin: germline.

Mayo Clinic Laboratories, Mayo Clinic
Classification: Likely benign. Last evaluated: 2025-05-09. Review status: criteria provided, single submitter. Criteria: ACMG Guidelines, 2015. Collection method: clinical testing. Allele origin: germline. Observed: 2 variant alleles.
Comment: BP4, BP7

Blueprint Genetics
Classification: Likely benign. Last evaluated: 2024-10-10. Review status: criteria provided, single submitter. Criteria: ACMG Guidelines, 2015. Collection method: clinical testing. Allele origin: germline.

CeGaT Center for Human Genetics Tuebingen
Classification: Likely benign. Last evaluated: 2022-05-01. Review status: criteria provided, single submitter. Criteria: CeGaT Center For Human Genetics Tuebingen Variant Classification Criteria Version 2. Collection method: clinical testing. Allele origin: germline. Affected: yes. Observed: 1 variant allele.
Comment: PC: BP4, BP7

GeneDx
Classification: Likely benign. Last evaluated: 2018-06-15. Review status: criteria provided, single submitter. Criteria: GeneDx Variant Classification Process June 2021. Collection method: clinical testing. Allele origin: germline. Affected: yes.

NM_001040716.2(PC):c.2325G>A (p.Thr775=)

Gene: PC (pyruvate carboxylase; minus strand). Cytogenetic location: 11q13.2.
Variant type: single nucleotide variant.
Coding change: c.2325G>A on transcript NM_001040716.2 (MANE Select); coding-DNA position 2325, G replaced by A.
Protein change: p.Thr775=; no amino-acid change (threonine 775 retained).
Molecular consequence: synonymous variant.
Genome position (GRCh38, 1-based): chr11:66,850,822, C>T on the plus strand (G>A on the coding strand, the complement: PC is on the minus strand). VCF-style: chr11-66850822-C-T. GRCh37 (hg19) VCF-style: chr11-66618293-C-T.
Other names: p.Thr775=; c.2325G>A, p.Thr775= (NM_000920.4, NM_022172.3).
Identifiers: ClinVar variation 378335 (VCV000378335.40), dbSNP rs371093155, ClinGen allele CA6131095.
Genomic context (GRCh38, chr11:66,850,822, plus strand): 5'-ATCCACCACATCAGCTCCAGCCTGGGCACAGGCCAGCATGGCTGCCACGCCTGCCCCTGA[C>T]GTGTCGTGGGTGTGGATGTGCAGTGGGAGGTCGGGGAAGCGGTCCCGGAGGGAGCTGACC-3'
Protein context (NP_001035806.1, residues 765-785): DLPLHIHTHD[Thr775=]SGAGVAAMLA